The following is an entry in ClinVar:

NM_000143.4(FH):c.354T>G (p.Asn118Lys)

Gene: FH (fumarate hydratase; minus strand). Cytogenetic location: 1q43.
Variant type: single nucleotide variant.
Coding change: c.354T>G on transcript NM_000143.4 (MANE Select); coding-DNA position 354, T replaced by G.
Protein change: p.Asn118Lys; replaces asparagine 118 with lysine.
Molecular consequence: missense variant.
Genome position (GRCh38, 1-based): chr1:241,513,627, A>C on the plus strand (T>G on the coding strand, the complement: FH is on the minus strand). VCF-style: chr1-241513627-A-C. GRCh37 (hg19) VCF-style: chr1-241676927-A-C.
Other names: short protein forms N118K.
Identifiers: ClinVar variation 1501518 (VCV001501518.8), dbSNP rs1465574376, ClinGen allele CA345440559.

ClinVar aggregate classification (germline): Uncertain significance. Review status: criteria provided, multiple submitters, no conflicts (2 of 4 stars). 4 submissions from 4 submitters: Uncertain significance (4). Last evaluated 2025-08-28.

Conditions:
Hereditary cancer-predisposing syndrome. Also called: Hereditary neoplastic syndrome; Tumor predisposition; Hereditary Cancer Syndrome; Neoplastic Syndromes, Hereditary. Identifiers: Orphanet 140162, MedGen C0027672, MeSH D009386, MONDO:0015356.
Fumarase deficiency (FMRD). Also called: Fumaric aciduria; Fumarate Hydratase Deficiency. Identifiers: Orphanet 24, MedGen C0342770, MONDO:0011730, OMIM 606812.
Hereditary leiomyomatosis and renal cell cancer. Also called: FH tumor predisposition syndrome; LEIOMYOMA, MULTIPLE CUTANEOUS; MULTIPLE CUTANEOUS AND UTERINE LEIOMYOMATA 1, WITH OR WITHOUT RENAL CELL CARCINOMA; Multiple cutaneous leiomyomas; Familial leiomyomatosis; Reed syndrome. Identifiers: Orphanet 523, MedGen C1708350, MONDO:0007888, OMIM 150800, HP:0007437. Disease mechanism: loss of function.

Allele frequency attached by ClinVar (database versions not stated): gnomAD exomes below 0.00001.
gnomAD v4.1: 1 of 1,614,008 alleles (0.000062%); highest among the groups gnomAD compares: Non-Finnish European, 0.000085%; no homozygotes.

Submissions (4):

Labcorp Genetics (formerly Invitae), Labcorp
Classification: Uncertain significance. Last evaluated: 2025-08-28. Review status: criteria provided, single submitter. Criteria: Invitae Variant Classification Sherloc (09022015). Collection method: clinical testing. Allele origin: germline.
Comment: This sequence change replaces asparagine, which is neutral and polar, with lysine, which is basic and polar, at codon 118 of the FH protein (p.Asn118Lys). This variant is not present in population databases (gnomAD no frequency). This variant has not been reported in the literature in individuals affected with FH-related conditions. ClinVar contains an entry for this variant (Variation ID: 1501518). Invitae Evidence Modeling of protein sequence and biophysical properties (such as structural, functional, and spatial information, amino acid conservation, physicochemical variation, residue mobility, and thermodynamic stability) indicates that this missense variant is not expected to disrupt FH protein function with a negative predictive value of 95%. In summary, the available evidence is currently insufficient to determine the role of this variant in disease. Therefore, it has been classified as a Variant of Uncertain Significance.

Fulgent Genetics
Classification: Uncertain significance for Hereditary leiomyomatosis and renal cell cancer; Fumarase deficiency. Last evaluated: 2024-03-13. Review status: criteria provided, single submitter. Criteria: ACMG Guidelines, 2015. Collection method: clinical testing. Allele origin: germline.

Baylor Genetics
Classification: Uncertain significance for Fumarase deficiency. Last evaluated: 2024-02-25. Review status: criteria provided, single submitter. Criteria: ACMG Guidelines, 2015. Collection method: clinical testing. Allele origin: unknown.

Ambry Genetics
Classification: Uncertain significance for Hereditary cancer-predisposing syndrome. Last evaluated: 2022-10-25. Review status: criteria provided, single submitter. Criteria: Ambry Variant Classification Scheme 2023. Collection method: clinical testing. Allele origin: germline.
Comment: The p.N118K variant (also known as c.354T>G), located in coding exon 3 of the FH gene, results from a T to G substitution at nucleotide position 354. The asparagine at codon 118 is replaced by lysine, an amino acid with similar properties. This amino acid position is not well conserved in available vertebrate species. In addition, this alteration is predicted to be tolerated by in silico analysis. Since supporting evidence is limited at this time, the clinical significance of this alteration remains unclear.